The following is an entry in ClinVar:

NM_001378454.1(ALMS1):c.1000A>T (p.Lys334Ter)

Gene: ALMS1 (ALMS1 centrosome and basal body associated protein; plus strand). Cytogenetic location: 2p13.1.
Variant type: single nucleotide variant.
Coding change: c.1000A>T on transcript NM_001378454.1 (MANE Select); coding-DNA position 1000, A replaced by T.
Protein change: p.Lys334Ter; replaces lysine 334 with a stop codon.
Molecular consequence: nonsense.
Genome position (GRCh38, 1-based): chr2:73,424,665, A>T. VCF-style: chr2-73424665-A-T. GRCh37 (hg19) VCF-style: chr2-73651793-A-T.
Other names: c.1003A>T, p.Lys335Ter (NM_015120.4); short protein forms K334*, K335*.
Identifiers: ClinVar variation 1724152 (VCV001724152.2), dbSNP rs2466046617, ClinGen allele CA347261196.

ClinVar aggregate classification (germline): Likely pathogenic (1 of 4 stars; one submission).

Conditions:
Alstrom syndrome (ALMS). Identifiers: Orphanet 64, MedGen C0268425, MONDO:0008763, OMIM 203800.

Submission:

Myriad Genetics, Inc.
Classification: Likely pathogenic for Alstrom syndrome. Last evaluated: 2022-01-27. Review status: criteria provided, single submitter. Criteria: Myriad Women's Health Autosomal Recessive and X-Linked Classification Criteria (2021). Collection method: clinical testing. Allele origin: unknown.
Comment: NM_015120.4(ALMS1):c.1003A>T(K335*) is expected to be pathogenic in the context of Alstrom syndrome. This variant is predicted to lead to an abnormal or absent protein product due to the creation of a premature termination codon in ALMS1, a gene where loss-of-function variants are known to be pathogenic. Please note: this variant was assessed in the context of healthy population screening.